The following is an entry in ClinVar:

NM_001142800.2(EYS):c.775C>T (p.Gln259Ter)

Gene: EYS (EGF-like photoreceptor maintenance factor; minus strand). Cytogenetic location: 6q12.
Variant type: single nucleotide variant.
Coding change: c.775C>T on transcript NM_001142800.2 (MANE Select); coding-DNA position 775, C replaced by T.
Protein change: p.Gln259Ter; replaces glutamine 259 with a stop codon.
Molecular consequence: nonsense.
Genome position (GRCh38, 1-based): chr6:65,490,681, G>A on the plus strand (C>T on the coding strand, the complement: EYS is on the minus strand). VCF-style: chr6-65490681-G-A. GRCh37 (hg19) VCF-style: chr6-66200574-G-A.
Other names: c.775C>T, p.Gln259Ter (NM_001142801.2, NM_001292009.2, NM_198283.2); c.775C>T (NM_001142800.1); short protein forms Q259*.
Identifiers: ClinVar variation 2021512 (VCV002021512.5), dbSNP rs1766009662, ClinGen allele CA364789149.

ClinVar aggregate classification (germline): Pathogenic/Likely pathogenic. Review status: criteria provided, multiple submitters, no conflicts (2 of 4 stars). 2 submissions from 2 submitters: Pathogenic (1); Likely pathogenic (1). Last evaluated 2025-07-11.

Conditions:
Retinitis pigmentosa 25 (RP25). Identifiers: Orphanet 791, MedGen C1864446, MONDO:0011272, OMIM 602772.

Submissions (2):

Natera, Inc.
Classification: Likely pathogenic for Retinitis pigmentosa type 25. Last evaluated: 2025-07-11. Review status: criteria provided, single submitter. Criteria: Natera Variant Classification Schema (03/2026). Collection method: clinical testing. Allele origin: germline.
Comment: The c.775C>T variant in EYS is a nonsense variant predicted to introduce a stop codon at amino acid 259. This variant is expected to result in nonsense mediated decay, truncation, or a dysfunctional protein product. This variant is rare in the general population with a frequency below the threshold expected for the associated phenotype(s). Given the available evidence, this variant is classified as Likely Pathogenic.

Labcorp Genetics (formerly Invitae), Labcorp
Classification: Pathogenic. Last evaluated: 2023-11-05. Review status: criteria provided, single submitter. Criteria: Invitae Variant Classification Sherloc (09022015). Collection method: clinical testing. Allele origin: germline.
Comment: This sequence change creates a premature translational stop signal (p.Gln259*) in the EYS gene. It is expected to result in an absent or disrupted protein product. Loss-of-function variants in EYS are known to be pathogenic (PMID: 18836446, 20333770). This variant is not present in population databases (gnomAD no frequency). This variant has not been reported in the literature in individuals affected with EYS-related conditions. ClinVar contains an entry for this variant (Variation ID: 2021512). For these reasons, this variant has been classified as Pathogenic.

Literature cited by the submitters: PubMed 18836446 (cited by Labcorp Genetics (formerly Invitae), Labcorp); PubMed 20333770 (cited by Labcorp Genetics (formerly Invitae), Labcorp).